The following is an entry in ClinVar:

ClinVar aggregate classification (germline): Conflicting classifications of pathogenicity. Review status: criteria provided, conflicting classifications (1 of 4 stars). 9 submissions from 9 submitters: Uncertain significance (5); Likely benign (2). 2 of the submissions do not count toward it. Last evaluated 2025-09-01.

Conditions:
Hereditary cancer-predisposing syndrome. Also called: Tumor predisposition; Hereditary neoplastic syndrome; Neoplastic Syndromes, Hereditary; Hereditary Cancer Syndrome. Identifiers: Orphanet 140162, MedGen C0027672, MeSH D009386, MONDO:0015356.
Hereditary breast ovarian cancer syndrome. Also called: Hereditary breast and ovarian cancer syndrome (HBOC); Hereditary breast and ovarian cancer; Hereditary breast and ovarian cancer syndrome; Breast and ovarian cancer; Hereditary breast and/or ovarian cancer syndrome; BRCA1- and BRCA2-Associated Hereditary Breast and Ovarian Cancer. Identifiers: Orphanet 145, MedGen C0677776, MeSH D061325, MONDO:0003582. Disease mechanism: loss of function.
Breast-ovarian cancer, familial, susceptibility to, 2 (BROVCA2). Also called: BRCA2 Hereditary Breast and Ovarian Cancer. Identifiers: Orphanet 145, MedGen C2675520, MONDO:0012933, OMIM 612555. Disease mechanism: loss of function.

Allele frequency attached by ClinVar (database versions not stated): gnomAD exomes 0.00001; ExAC 0.00002.
gnomAD v4.1: 6 of 1,610,032 alleles (0.00037%); highest among the groups gnomAD compares: South Asian, 0.0022%; no homozygotes.

Submissions (9):

CeGaT Center for Human Genetics Tuebingen
Classification: Uncertain significance. Last evaluated: 2025-09-01. Review status: criteria provided, single submitter. Criteria: CeGaT Center For Human Genetics Tuebingen Variant Classification Criteria Version 2. Collection method: clinical testing. Allele origin: germline. Affected: yes. Observed: 1 variant allele.
Comment: BRCA2: PM2:Supporting, BP4

Labcorp Genetics (formerly Invitae), Labcorp
Classification: Uncertain significance for Hereditary breast ovarian cancer syndrome. Last evaluated: 2025-06-29. Review status: criteria provided, single submitter. Criteria: Invitae Variant Classification Sherloc (09022015). Collection method: clinical testing. Allele origin: germline.
Comment: This sequence change replaces isoleucine, which is neutral and non-polar, with leucine, which is neutral and non-polar, at codon 594 of the BRCA2 protein (p.Ile594Leu). This variant is present in population databases (rs431825287, gnomAD 0.007%). This missense change has been observed in individual(s) with clinical features of BRCA2-related conditions (PMID: 21520333). ClinVar contains an entry for this variant (Variation ID: 96771). Invitae Evidence Modeling of protein sequence and biophysical properties (such as structural, functional, and spatial information, amino acid conservation, physicochemical variation, residue mobility, and thermodynamic stability) indicates that this missense variant is not expected to disrupt BRCA2 protein function with a negative predictive value of 95%. In summary, the available evidence is currently insufficient to determine the role of this variant in disease. Therefore, it has been classified as a Variant of Uncertain Significance.

Ambry Genetics
Classification: Likely benign for Hereditary cancer-predisposing syndrome. Last evaluated: 2024-02-29. Review status: criteria provided, single submitter. Criteria: Ambry Variant Classification Scheme 2023. Collection method: clinical testing. Allele origin: germline.

All of Us Research Program, National Institutes of Health
Classification: Uncertain significance for Breast-ovarian cancer, familial, susceptibility to, 2. Last evaluated: 2023-08-23. Review status: criteria provided, single submitter. Criteria: ACMG Guidelines, 2015. Collection method: clinical testing. Allele origin: germline. Inheritance: Autosomal dominant inheritance. Observed: 1 variant allele, 1 heterozygote.
Comment: This missense variant replaces isoleucine with leucine at codon 594 of the BRCA2 protein. Computational prediction suggests that this variant may not impact protein structure and function (internally defined REVEL score threshold <= 0.5, PMID: 27666373). To our knowledge, functional studies have not been reported for this variant. This variant has been reported in 1 individual affected with breast or ovarian cancer (DOI: 10.1515/tjb-2019-0424). This variant has been identified in 2/248072 chromosomes in the general population by the Genome Aggregation Database (gnomAD). The available evidence is insufficient to determine the role of this variant in disease conclusively. Therefore, this variant is classified as a Variant of Uncertain Significance.

This study involves interpretation of variants in research participants for the purpose of population health screening. Participant phenotype was not available at the time of variant classification. Additional details can be found in publication PMID: 35346344, PMCID: PMC8962531

University of Washington Department of Laboratory Medicine, University of Washington
Classification: Likely benign for Hereditary cancer-predisposing syndrome. Last evaluated: 2023-03-23. Review status: criteria provided, single submitter. Criteria: Dines et al. (Genet Med. 2020). Collection method: curation. Allele origin: germline.
Comment: Missense variant in a coldspot region where missense variants are very unlikely to be pathogenic (PMID:31911673).

BRCA2 exon 10 coldspot. Reclassification based on statistical prior probability.

GeneDx
Classification: Uncertain significance. Last evaluated: 2016-01-25. Review status: criteria provided, single submitter. Criteria: GeneDx Variant Classification (06012015). Collection method: clinical testing. Allele origin: germline. Affected: yes.
Comment: This variant is denoted BRCA2 c.1780A>C at the cDNA level, p.Ile594Leu (I594L) at the protein level, and results in the change of an Isoleucine to a Leucine (ATA>CTA). Using alternate nomenclature, this variant would be defined as BRCA2 2008A>C. This variant has not, to our knowledge, been published in the literature as pathogenic or benign. BRCA2 Ile594Leu was not observed in approximately 6,500 individuals of European and African American ancestry in the NHLBI Exome Sequencing Project, indicating it is not a common benign variant in these populations. Since Isoleucine and Leucine share similar properties, this is considered a conservative amino acid substitution. BRCA2 Ile594Leu occurs at a position where amino acids with properties similar to Isoleucine are tolerated across species and is not located in a known functional domain (Borg 2010, UniProt). In silico analyses predict that this variant is unlikely to alter protein structure or function. Based on currently available information, it is unclear whether BRCA2 Ile594Leu is pathogenic or benign. We consider it to be a variant of uncertain significance.

Genome Diagnostics Laboratory, University Medical Center Utrecht
Classification: Uncertain significance for Breast-ovarian cancer, familial, susceptibility to, 2. Last evaluated: 2014-10-08. Review status: criteria provided, single submitter. Criteria: ACGS Guidelines, 2013. Collection method: clinical testing. Allele origin: germline. Affected: yes. Study: VKGL Data-share Consensus.

Sharing Clinical Reports Project (SCRP)
Classification: Uncertain significance for Breast-ovarian cancer, familial 2. Last evaluated: 2012-05-01. Review status: no assertion criteria provided. Collection method: clinical testing. Allele origin: germline. Not counted in ClinVar's aggregate classification.

Clinical Genetics Laboratory, Department of Pathology, Netherlands Cancer Institute
Classification: Uncertain significance. Review status: no assertion criteria provided. Collection method: clinical testing. Allele origin: germline. Affected: yes. Study: VKGL Data-share Consensus. Not counted in ClinVar's aggregate classification.

Literature cited by the submitters: PubMed 21520333 (cited by Labcorp Genetics (formerly Invitae), Labcorp).

NM_000059.4(BRCA2):c.1780A>C (p.Ile594Leu)

Gene: BRCA2 (BRCA2 DNA repair associated; plus strand). Cytogenetic location: 13q13.1.
Variant type: single nucleotide variant.
Coding change: c.1780A>C on transcript NM_000059.4 (MANE Select); coding-DNA position 1780, A replaced by C.
Protein change: p.Ile594Leu; replaces isoleucine 594 with leucine.
Molecular consequence: missense variant.
Genome position (GRCh38, 1-based): chr13:32,333,258, A>C. VCF-style: chr13-32333258-A-C. GRCh37 (hg19) VCF-style: chr13-32907395-A-C.
Other names: 2008A>C; short protein forms I594L.
Identifiers: ClinVar variation 96771 (VCV000096771.26), dbSNP rs431825287, ClinGen allele CA013194.